The following is an entry in ClinVar:

NC_000012.11:g.(?_42862785)_(42864169_?)del

Gene: PRICKLE1 (prickle planar cell polarity protein 1; minus strand). Cytogenetic location: 12q12.
Variant type: Deletion.
Identifiers: ClinVar variation 2427424 (VCV002427424.4).

ClinVar aggregate classification (germline): Uncertain significance (1 of 4 stars; one submission).

Conditions:
Epilepsy, progressive myoclonic, 1B. Also called: PME. Identifiers: Orphanet 308, MedGen C2676254, MONDO:0012904, OMIM 612437.

Submission:

Labcorp Genetics (formerly Invitae), Labcorp
Classification: Uncertain significance for Epilepsy, progressive myoclonic, 1B. Last evaluated: 2022-06-27. Review status: criteria provided, single submitter. Criteria: Invitae Variant Classification Sherloc (09022015). Collection method: clinical testing. Allele origin: germline.
Comment: In summary, the available evidence is currently insufficient to determine the role of this variant in disease. Therefore, it has been classified as a Variant of Uncertain Significance. Experimental studies and prediction algorithms are not available or were not evaluated, and the functional significance of this variant is currently unknown. This variant has not been reported in the literature in individuals affected with PRICKLE1-related conditions. This variant is a gross deletion of the genomic region encompassing exon(s) 3-4 of the PRICKLE1 gene. This variant would be expected to be in-frame, preserving the integrity of the reading frame.